The following is an entry in ClinVar:

NM_002292.4(LAMB2):c.5210A>C (p.Glu1737Ala)

Gene: LAMB2 (laminin subunit beta 2; minus strand). Cytogenetic location: 3p21.31.
Variant type: single nucleotide variant.
Coding change: c.5210A>C on transcript NM_002292.4 (MANE Select); coding-DNA position 5210, A replaced by C.
Protein change: p.Glu1737Ala; replaces glutamic acid 1737 with alanine.
Molecular consequence: missense variant.
Genome position (GRCh38, 1-based): chr3:49,121,483, T>G on the plus strand (A>C on the coding strand, the complement: LAMB2 is on the minus strand). VCF-style: chr3-49121483-T-G. GRCh37 (hg19) VCF-style: chr3-49158916-T-G.
Other names: short protein forms E1737A.
Identifiers: ClinVar variation 1437234 (VCV001437234.6), dbSNP rs2107623479, ClinGen allele CA352680161.

ClinVar aggregate classification (germline): Uncertain significance (1 of 4 stars; one submission).

Conditions:
Pierson syndrome. Also called: MICROCORIA-CONGENITAL NEPHROTIC SYNDROME. Identifiers: Orphanet 2670, MedGen C1836876, MONDO:0012184, OMIM 609049.
LAMB2-related infantile-onset nephrotic syndrome. Also called: NEPHROTIC SYNDROME, TYPE 5, WITHOUT OCULAR ABNORMALITIES; NEPHROTIC SYNDROME, TYPE 5, WITH OCULAR ABNORMALITIES; Nephrotic Syndrome, type 5. Identifiers: Orphanet 306507, MedGen C3280113, MONDO:0013621, OMIM 614199.

Submission:

Labcorp Genetics (formerly Invitae), Labcorp
Classification: Uncertain significance for LAMB2-related infantile-onset nephrotic syndrome; Pierson syndrome. Last evaluated: 2021-09-06. Review status: criteria provided, single submitter. Criteria: Invitae Variant Classification Sherloc (09022015). Collection method: clinical testing. Allele origin: germline.
Comment: This variant is not present in population databases (ExAC no frequency). This sequence change replaces glutamic acid with alanine at codon 1737 of the LAMB2 protein (p.Glu1737Ala). The glutamic acid residue is highly conserved and there is a moderate physicochemical difference between glutamic acid and alanine. This variant has not been reported in the literature in individuals affected with LAMB2-related conditions. In summary, the available evidence is currently insufficient to determine the role of this variant in disease. Therefore, it has been classified as a Variant of Uncertain Significance. Algorithms developed to predict the effect of missense changes on protein structure and function (SIFT, PolyPhen-2, Align-GVGD) all suggest that this variant is likely to be disruptive.